The following is an entry in ClinVar:

NM_015295.3(SMCHD1):c.3608G>C (p.Ser1203Thr)

Gene: SMCHD1 (structural maintenance of chromosomes flexible hinge domain containing 1; plus strand). Cytogenetic location: 18p11.32.
Variant type: single nucleotide variant.
Coding change: c.3608G>C on transcript NM_015295.3 (MANE Select); coding-DNA position 3608, G replaced by C.
Protein change: p.Ser1203Thr; replaces serine 1203 with threonine.
Molecular consequence: missense variant.
Genome position (GRCh38, 1-based): chr18:2,740,796, G>C. VCF-style: chr18-2740796-G-C. GRCh37 (hg19) VCF-style: chr18-2740794-G-C.
Other names: short protein forms S1203T.
Identifiers: ClinVar variation 1509858 (VCV001509858.8), dbSNP rs2143548195, ClinGen allele CA401688853.

ClinVar aggregate classification (germline): Uncertain significance (1 of 4 stars; one submission).

Conditions:
Facioscapulohumeral muscular dystrophy 2 (FSHD2). Also called: MUSCULAR DYSTROPHY, FACIOSCAPULOHUMERAL, TYPE 1B; FACIOSCAPULOHUMERAL MUSCULAR DYSTROPHY 2, DIGENIC; FSHD2, DIGENIC. Identifiers: Orphanet 269, MedGen C1834671, MONDO:0008031, OMIM 158901.

Submission:

Labcorp Genetics (formerly Invitae), Labcorp
Classification: Uncertain significance for Facioscapulohumeral muscular dystrophy 2. Last evaluated: 2021-02-14. Review status: criteria provided, single submitter. Criteria: Invitae Variant Classification Sherloc (09022015). Collection method: clinical testing. Allele origin: germline.
Comment: Algorithms developed to predict the effect of missense changes on protein structure and function (SIFT, PolyPhen-2, Align-GVGD) all suggest that this variant is likely to be tolerated, but these predictions have not been confirmed by published functional studies and their clinical significance is uncertain. In summary, the available evidence is currently insufficient to determine the role of this variant in disease. Therefore, it has been classified as a Variant of Uncertain Significance. This variant has not been reported in the literature in individuals with SMCHD1-related conditions. This variant is not present in population databases (ExAC no frequency). This sequence change replaces serine with threonine at codon 1203 of the SMCHD1 protein (p.Ser1203Thr). The serine residue is moderately conserved and there is a small physicochemical difference between serine and threonine.